The following is an entry in ClinVar:

ClinVar aggregate classification (germline): Pathogenic (1 of 4 stars; one submission).

Conditions:
Maple syrup urine disease (MSUD). Identifiers: Orphanet 511, MedGen C0024776, MeSH D008375, MONDO:0009563. Disease mechanism: loss of function.

Submission:

Labcorp Genetics (formerly Invitae), Labcorp
Classification: Pathogenic for Maple syrup urine disease. Last evaluated: 2024-02-27. Review status: criteria provided, single submitter. Criteria: Invitae Variant Classification Sherloc (09022015). Collection method: clinical testing. Allele origin: germline.
Comment: This sequence change creates a premature translational stop signal (p.Met71*) in the BCKDHB gene. It is expected to result in an absent or disrupted protein product. Loss-of-function variants in BCKDHB are known to be pathogenic (PMID: 16786533, 22593002). This variant is not present in population databases (gnomAD no frequency). This variant has not been reported in the literature in individuals affected with BCKDHB-related conditions. For these reasons, this variant has been classified as Pathogenic.

Literature cited by the submitters: PubMed 16786533; PubMed 22593002.

NM_183050.4(BCKDHB):c.211del (p.Lys70_Met71insTer)

Gene: BCKDHB (branched chain keto acid dehydrogenase E1 subunit beta; plus strand). Cytogenetic location: 6q14.1.
Variant type: Deletion.
Coding change: c.211del on transcript NM_183050.4 (MANE Select); coding-DNA position 211, one base deleted (A; older notation c.211delA).
Protein change: p.Lys70_Met71insTer.
Molecular consequence: nonsense. On other transcripts: initiator codon variant (2), non-coding transcript variant (6).
Genome position (GRCh38, 1-based): chr6:80,127,561, A deleted; the last of 4 consecutive A bases (chr6:80,127,558-80,127,561); deleting any one gives the same sequence. VCF-style (leftmost placement, unchanged base first): chr6-80127557-GA-G. GRCh37 (hg19) VCF-style: chr6-80837274-GA-G.
Other names: c.211del, p.Lys70_Met71insTer (NM_000056.5, NM_001424035.1, NM_001424036.1 and 8 more transcripts); c.1del, p.Met1* (NM_001318975.1, NM_001424043.1).
Identifiers: ClinVar variation 3641252 (VCV003641252.2).